The following is an entry in ClinVar:

NM_001193315.2(VIPAS39):c.343+8G>A

Gene: VIPAS39 (VPS33B interacting protein, apical-basolateral polarity regulator, spe-39 homolog; minus strand). Cytogenetic location: 14q24.3.
Variant type: single nucleotide variant.
Coding change: c.343+8G>A on transcript NM_001193315.2 (MANE Select); 8 bases into the intron after coding-DNA position 343, G replaced by A.
Molecular consequence: intron variant.
Genome position (GRCh38, 1-based): chr14:77,451,179, C>T on the plus strand (G>A on the coding strand, the complement: VIPAS39 is on the minus strand). VCF-style: chr14-77451179-C-T. GRCh37 (hg19) VCF-style: chr14-77917522-C-T.
Other names: c.197-1427G>A (NM_001400337.1, NM_001193316.2, NM_001400324.1 and 1 more transcripts); c.343+8G>A (NM_001400333.1, NM_001400327.1, NM_001400338.1 and 11 more transcripts).
Identifiers: ClinVar variation 4995632 (VCV004995632.1).

ClinVar aggregate classification (germline): Likely benign (1 of 4 stars; one submission).

Conditions:
VIPAS39-related disorder. Also called: VIPAS39-related condition.

Submission:

PreventionGenetics, part of Exact Sciences
Classification: Likely benign for VIPAS39-related condition. Last evaluated: 2025-12-30. Review status: criteria provided, single submitter. Criteria: ACMG Guidelines, 2015. Collection method: clinical testing. Allele origin: germline.
Comment: This variant is classified as likely benign based on ACMG/AMP sequence variant interpretation guidelines (Richards et al. 2015 PMID: 25741868, with internal and published modifications).